The following is an entry in ClinVar:

ClinVar aggregate classification (germline): Likely pathogenic (1 of 4 stars; one submission).

Conditions:
Metachromatic leukodystrophy (MLD). Also called: SULFATIDE LIPIDOSIS; CEREBROSIDE SULFATASE DEFICIENCY; ARSA DEFICIENCY; METACHROMATIC LEUKOENCEPHALOPATHY; Cerebral sclerosis diffuse metachromatic form; Arylsulfatase A Deficiency. Identifiers: Orphanet 512, MedGen C0023522, MONDO:0018868, OMIM 250100.

Submission:

Labcorp Genetics (formerly Invitae), Labcorp
Classification: Likely pathogenic for Metachromatic leukodystrophy. Last evaluated: 2023-01-01. Review status: criteria provided, single submitter. Criteria: Invitae Variant Classification Sherloc (09022015). Collection method: clinical testing. Allele origin: germline.
Comment: This variant disrupts the p.Leu300 amino acid residue in ARSA. Other variant(s) that disrupt this residue have been determined to be pathogenic (PMID: 9819708, 31312839). This suggests that this residue is clinically significant, and that variants that disrupt this residue are likely to be disease-causing. Advanced modeling of protein sequence and biophysical properties (such as structural, functional, and spatial information, amino acid conservation, physicochemical variation, residue mobility, and thermodynamic stability) performed at Invitae indicates that this missense variant is expected to disrupt ARSA protein function. This variant has not been reported in the literature in individuals affected with ARSA-related conditions. This variant is not present in population databases (gnomAD no frequency). This sequence change replaces leucine, which is neutral and non-polar, with tryptophan, which is neutral and slightly polar, at codon 300 of the ARSA protein (p.Leu300Trp). In summary, the currently available evidence indicates that the variant is pathogenic, but additional data are needed to prove that conclusively. Therefore, this variant has been classified as Likely Pathogenic.

Literature cited by the submitters: PubMed 9819708; PubMed 31312839.

NM_000487.6(ARSA):c.899T>G (p.Leu300Trp)

Gene: ARSA (arylsulfatase A; minus strand). Cytogenetic location: 22q13.33.
Variant type: single nucleotide variant.
Coding change: c.899T>G on transcript NM_000487.6 (MANE Select); coding-DNA position 899, T replaced by G.
Protein change: p.Leu300Trp; replaces leucine 300 with tryptophan.
Molecular consequence: missense variant.
Genome position (GRCh38, 1-based): chr22:50,626,234, A>C on the plus strand (T>G on the coding strand, the complement: ARSA is on the minus strand). VCF-style: chr22-50626234-A-C. GRCh37 (hg19) VCF-style: chr22-51064662-A-C.
Other names: c.899T>G, p.Leu300Trp (NM_001085425.3, NM_001085426.3, NM_001085427.3); c.641T>G, p.Leu214Trp (NM_001085428.3, NM_001362782.2); short protein forms L300W, L214W.
Identifiers: ClinVar variation 2825858 (VCV002825858.3), dbSNP rs199476389, ClinGen allele CA412174773.